The following is an entry in ClinVar:

ClinVar aggregate classification (germline): Likely benign (1 of 4 stars; one submission).

Allele frequency attached by ClinVar (database versions not stated): 1000 Genomes Project 0.00040; 1000 Genomes Project 30x 0.00047; ExAC 0.00188; gnomAD 0.00207; TOPMed 0.00209; ESP Exome Variant Server 0.00300; gnomAD exomes 0.00338.

Submission:

CeGaT Center for Human Genetics Tuebingen
Classification: Likely benign. Last evaluated: 2023-02-01. Review status: criteria provided, single submitter. Criteria: CeGaT Center For Human Genetics Tuebingen Variant Classification Criteria Version 2. Collection method: clinical testing. Allele origin: germline. Affected: yes. Observed: 1 variant allele.
Comment: WDR17: BP4, BP7

NM_181265.4(WDR17):c.3301C>T (p.Leu1101=)

Gene: WDR17 (WD repeat domain 17; plus strand). Cytogenetic location: 4q34.2.
Variant type: single nucleotide variant.
Coding change: c.3301C>T on transcript NM_181265.4 (MANE Select); coding-DNA position 3301, C replaced by T.
Protein change: p.Leu1101=; no amino-acid change (leucine 1101 retained).
Molecular consequence: synonymous variant.
Genome position (GRCh38, 1-based): chr4:176,173,323, C>T. VCF-style: chr4-176173323-C-T. GRCh37 (hg19) VCF-style: chr4-177094474-C-T.
Other names: c.3418C>T, p.Leu1140= (NM_170710.5); c.3394C>T, p.Leu1132= (NM_001350727.2, NM_001378103.1); c.3322C>T, p.Leu1108= (NM_001378104.1); c.3157C>T, p.Leu1053= (NM_001378105.1); c.3136C>T, p.Leu1046= (NM_001378106.1).
Identifiers: ClinVar variation 2655200 (VCV002655200.24), dbSNP rs17671639, ClinGen allele CA3144724.